The following is an entry in ClinVar:

NM_000392.5(ABCC2):c.576+1G>A

Gene: ABCC2 (ATP binding cassette subfamily C member 2; plus strand). Cytogenetic location: 10q24.2.
Variant type: single nucleotide variant.
Coding change: c.576+1G>A on transcript NM_000392.5 (MANE Select); the canonical splice donor site of the intron after coding-DNA position 576, G replaced by A.
Molecular consequence: splice donor variant.
Genome position (GRCh38, 1-based): chr10:99,794,000, G>A. VCF-style: chr10-99794000-G-A. GRCh37 (hg19) VCF-style: chr10-101553757-G-A.
Other names: c.576+1G>A (NM_000392.4).
Identifiers: ClinVar variation 1322253 (VCV001322253.10), dbSNP rs376398719, ClinGen allele CA5642924.
Genomic context (GRCh38, chr10:99,794,000, plus strand): 5'-GGATTCCAGATCCTGATCCTGATCTTTTCAGCATTTTCAGAAAATAATGAGTCATCAAAT[G>A]TGAGATTCTAAATATGCCCATCTCATATATTACTTAATTGGATGATATCTTAATGAATAT-3'

ClinVar aggregate classification (germline): Pathogenic/Likely pathogenic. Review status: criteria provided, multiple submitters, no conflicts (2 of 4 stars). 4 submissions from 4 submitters: Pathogenic (1); Likely pathogenic (2). 1 of the submissions does not count toward it. Last evaluated 2024-05-09.

Conditions:
ABCC2-related disorder. Also called: ABCC2-related condition.
Dubin-Johnson syndrome (DJS). Also called: Hyperbilirubinemia type 2; Jaundice, Chronic Idiopathic; HYPERBILIRUBINEMIA, DUBIN-JOHNSON TYPE. Identifiers: Orphanet 234, MedGen C0022350, MONDO:0009380, OMIM 237500.

Allele frequency attached by ClinVar (database versions not stated): TOPMed 0.00006; ExAC 0.00002; gnomAD exomes 0.00008 and 0.00002; gnomAD 0.00005; ESP Exome Variant Server 0.00008.
gnomAD v4.1: 117 of 1,592,550 alleles (0.0073%); highest among the groups gnomAD compares: Non-Finnish European, 0.01%; no homozygotes.

Submissions (4):

Fulgent Genetics
Classification: Likely pathogenic for Dubin-Johnson syndrome. Last evaluated: 2024-05-09. Review status: criteria provided, single submitter. Criteria: ACMG Guidelines, 2015. Collection method: clinical testing. Allele origin: germline.

Labcorp Genetics (formerly Invitae), Labcorp
Classification: Likely pathogenic. Last evaluated: 2024-01-04. Review status: criteria provided, single submitter. Criteria: Invitae Variant Classification Sherloc (09022015). Collection method: clinical testing. Allele origin: germline.
Comment: This sequence change affects a donor splice site in intron 5 of the ABCC2 gene. It is expected to disrupt RNA splicing. Variants that disrupt the donor or acceptor splice site typically lead to a loss of protein function (PMID: 16199547), and loss-of-function variants in ABCC2 are known to be pathogenic (PMID: 9185779, 16549534, 16952291). This variant is present in population databases (rs376398719, gnomAD 0.004%). This variant has not been reported in the literature in individuals affected with ABCC2-related conditions. ClinVar contains an entry for this variant (Variation ID: 1322253). Algorithms developed to predict the effect of sequence changes on RNA splicing suggest that this variant may disrupt the consensus splice site. In summary, the currently available evidence indicates that the variant is pathogenic, but additional data are needed to prove that conclusively. Therefore, this variant has been classified as Likely Pathogenic.

Revvity Omics, Revvity
Classification: Pathogenic for Dubin-Johnson syndrome. Last evaluated: 2019-04-17. Review status: criteria provided, single submitter. Criteria: ACMG Guidelines, 2015. Collection method: clinical testing. Allele origin: germline.

PreventionGenetics, part of Exact Sciences
Classification: Likely pathogenic for ABCC2-related condition. Last evaluated: 2024-07-17. Review status: no assertion criteria provided. Collection method: clinical testing. Allele origin: germline. Not counted in ClinVar's aggregate classification.
Comment: The ABCC2 c.576+1G>A variant is predicted to disrupt the GT donor site and interfere with normal splicing. To our knowledge, this variant has not been reported in the literature. This variant is reported in 0.0039% of alleles in individuals of European (non-Finnish) descent in gnomAD. Variants that disrupt the consensus splice donor site in ABCC2 are expected to be pathogenic. This variant is interpreted as likely pathogenic.

Literature cited by the submitters: PubMed 16199547 (cited by Labcorp Genetics (formerly Invitae), Labcorp); PubMed 9185779 (cited by Labcorp Genetics (formerly Invitae), Labcorp); PubMed 16549534 (cited by Labcorp Genetics (formerly Invitae), Labcorp); PubMed 16952291 (cited by Labcorp Genetics (formerly Invitae), Labcorp).